The following is an entry in ClinVar:

ClinVar aggregate classification (germline): Benign (1 of 4 stars; one submission).

Conditions:
Leigh syndrome (NULS). Also called: Leigh's necrotizing encephalopathy; Leigh's disease; Leigh's syndrome; LEIGH SYNDROME, NUCLEAR; Leigh Syndrome (mtDNA deletion); Leigh Disease. Identifiers: Orphanet 506, MedGen C2931891, MONDO:0009723, OMIM 256000.

Submission:

Wong Mito Lab, Molecular and Human Genetics, Baylor College of Medicine
Classification: Benign for Leigh syndrome. Last evaluated: 2019-10-17. Review status: criteria provided, single submitter. Criteria: Modified ACMG Guidelines (Unpublished). Collection method: clinical testing. Allele origin: germline.
Comment: The NC_012920.1:m.14979T>C (YP_003024038.1:p.Ile78Thr) variant in MTCYB gene is interpretated to be a Benign variant based on the modified ACMG guidelines (unpublished). This variant meets the following evidence codes: BS1, BS2

NC_012920.1(MT-CYB):m.14979T>C

Gene: MT-CYB (mitochondrially encoded cytochrome b; plus strand).
Variant type: single nucleotide variant.
Genome position: chrM-14979-T-C.
Identifiers: ClinVar variation 693802 (VCV000693802.1), dbSNP rs200786872, ClinGen allele CA337100228.